The following is an entry in ClinVar:

NM_000038.6(APC):c.392C>G (p.Thr131Ser)

Gene: APC (APC regulator of Wnt signaling pathway; plus strand). Cytogenetic location: 5q22.2.
Variant type: single nucleotide variant.
Coding change: c.392C>G on transcript NM_000038.6 (MANE Select); coding-DNA position 392, C replaced by G.
Protein change: p.Thr131Ser; replaces threonine 131 with serine.
Molecular consequence: missense variant. On other transcripts: 5 prime UTR variant (1).
Genome position (GRCh38, 1-based): chr5:112,767,360, C>G. VCF-style: chr5-112767360-C-G. GRCh37 (hg19) VCF-style: chr5-112103057-C-G.
Other names: c.392C>G, p.Thr131Ser (NM_001127510.3, NM_001354895.2, NM_001354896.2 and 2 more transcripts); c.422C>G, p.Thr141Ser (NM_001127511.3, NM_001354897.2, NM_001354902.2); c.317C>G, p.Thr106Ser (NM_001354898.2, NM_001354904.2); c.215C>G, p.Thr72Ser (NM_001354900.2, NM_001354901.2, NM_001354905.2); c.-644C>G (NM_001354906.2); short protein forms T131S, T141S, T106S, T72S.
Identifiers: ClinVar variation 482289 (VCV000482289.14), dbSNP rs1387998721, ClinGen allele CA16022176.

ClinVar aggregate classification (germline): Uncertain significance. Review status: criteria provided, multiple submitters, no conflicts (2 of 4 stars). 2 submissions from 2 submitters: Uncertain significance (2). Last evaluated 2022-04-28.

Conditions:
Hereditary cancer-predisposing syndrome. Also called: Neoplastic Syndromes, Hereditary; Tumor predisposition; Hereditary Cancer Syndrome; Hereditary neoplastic syndrome. Identifiers: Orphanet 140162, MedGen C0027672, MeSH D009386, MONDO:0015356.
Familial adenomatous polyposis 1 (FAP1). Also called: FAMILIAL ADENOMATOUS POLYPOSIS 1, ATTENUATED; POLYPOSIS, ADENOMATOUS INTESTINAL. Identifiers: MedGen C2713442, MONDO:0021056, OMIM 175100. Disease mechanism: loss of function.

Submissions (2):

Labcorp Genetics (formerly Invitae), Labcorp
Classification: Uncertain significance for Familial adenomatous polyposis 1. Last evaluated: 2022-04-28. Review status: criteria provided, single submitter. Criteria: Invitae Variant Classification Sherloc (09022015). Collection method: clinical testing. Allele origin: germline.
Comment: In summary, the available evidence is currently insufficient to determine the role of this variant in disease. Therefore, it has been classified as a Variant of Uncertain Significance. Algorithms developed to predict the effect of missense changes on protein structure and function are either unavailable or do not agree on the potential impact of this missense change (SIFT: "Deleterious"; PolyPhen-2: "Benign"; Align-GVGD: "Class C0"). ClinVar contains an entry for this variant (Variation ID: 482289). This variant has not been reported in the literature in individuals affected with APC-related conditions. This variant is not present in population databases (gnomAD no frequency). This sequence change replaces threonine, which is neutral and polar, with serine, which is neutral and polar, at codon 131 of the APC protein (p.Thr131Ser).

Ambry Genetics
Classification: Uncertain significance for Hereditary cancer-predisposing syndrome. Last evaluated: 2017-08-21. Review status: criteria provided, single submitter. Criteria: Ambry Variant Classification Scheme 2023. Collection method: clinical testing. Allele origin: germline.
Comment: The p.T131S variant (also known as c.392C>G), located in coding exon 3 of the APC gene, results from a C to G substitution at nucleotide position 392. The threonine at codon 131 is replaced by serine, an amino acid with similar properties. This amino acid position is well conserved in available vertebrate species. In addition, in silico predictors for this gene do not accurately predict pathogenicity. Since supporting evidence is limited at this time, the clinical significance of this alteration remains unclear.